The following is an entry in ClinVar:

NM_000463.3(UGT1A1):c.1518C>A (p.Thr506=)

Genes: UGT1A1 (UDP glucuronosyltransferase family 1 member A1; plus strand), UGT1A7 (UDP glucuronosyltransferase family 1 member A7; plus strand), UGT1A3 (UDP glucuronosyltransferase family 1 member A3; plus strand), UGT1A9 (UDP glucuronosyltransferase family 1 member A9; plus strand), UGT1A5 (UDP glucuronosyltransferase family 1 member A5; plus strand) and 5 more. Cytogenetic location: 2q37.1.
Variant type: single nucleotide variant.
Coding change: c.1518C>A on transcript NM_000463.3 (MANE Select); coding-DNA position 1518, C replaced by A.
Protein change: p.Thr506=; no amino-acid change (threonine 506 retained).
Molecular consequence: synonymous variant.
Genome position (GRCh38, 1-based): chr2:233,772,475, C>A. VCF-style: chr2-233772475-C-A. GRCh37 (hg19) VCF-style: chr2-234681121-C-A.
Other names: c.1509C>A, p.Thr503= (NM_019075.4, NM_019076.5, NM_019077.3 and 1 more transcripts); c.1515C>A, p.Thr505= (NM_001072.4); c.714C>A, p.Thr238= (NM_205862.3); c.1521C>A, p.Thr507= (NM_019078.2, NM_007120.3, NM_019093.4).
Identifiers: ClinVar variation 897468 (VCV000897468.7), dbSNP rs190427553, ClinGen allele CA2180150.

ClinVar aggregate classification (germline): Conflicting classifications of pathogenicity. Review status: criteria provided, conflicting classifications (1 of 4 stars). 5 submissions from 3 submitters: Uncertain significance (3); Likely benign (1). 1 of the submissions does not count toward it. Last evaluated 2024-06-16.

Conditions:
Lucey-Driscoll syndrome (HBLRTFN). Also called: Transient familial neonatal hyperbilirubinemia. Identifiers: Orphanet 2312, MedGen C0270210, MONDO:0009383, OMIM 237900.
Gilbert syndrome. Also called: Gilbert Disease; HYPERBILIRUBINEMIA, GILBERT TYPE; HYPERBILIRUBINEMIA I; HYPERBILIRUBINEMIA, ARIAS TYPE; Gilbert's syndrome. Identifiers: MedGen C0017551, MONDO:0007745, OMIM 143500.
UGT1A1-related disorder. Also called: UGT1A1-related condition; UGT1A1-related disorders.
Crigler-Najjar syndrome. Identifiers: Orphanet 205, MedGen C5551003, MONDO:0009044.

Allele frequency attached by ClinVar (database versions not stated): TOPMed 0.00001; 1000 Genomes Project 30x 0.00078; 1000 Genomes Project 0.00080.
gnomAD v4.1: 148 of 1,614,134 alleles (0.0092%); highest among the groups gnomAD compares: Non-Finnish European, 0.012%; no homozygotes.

Submissions (5):

Labcorp Genetics (formerly Invitae), Labcorp
Classification: Likely benign. Last evaluated: 2024-06-16. Review status: criteria provided, single submitter. Criteria: Invitae Variant Classification Sherloc (09022015). Collection method: clinical testing. Allele origin: germline.

Illumina Laboratory Services, Illumina
Classification: Uncertain significance for Gilbert syndrome. Last evaluated: 2018-01-13. Review status: criteria provided, single submitter. Criteria: ICSL Variant Classification Criteria 13 December 2019. Collection method: clinical testing. Allele origin: germline.

Illumina Laboratory Services, Illumina
Classification: Uncertain significance for Crigler-Najjar syndrome. Last evaluated: 2018-01-13. Review status: criteria provided, single submitter. Criteria: ICSL Variant Classification Criteria 13 December 2019. Collection method: clinical testing. Allele origin: germline.

Illumina Laboratory Services, Illumina
Classification: Uncertain significance for Lucey-Driscoll syndrome. Last evaluated: 2018-01-13. Review status: criteria provided, single submitter. Criteria: ICSL Variant Classification Criteria 13 December 2019. Collection method: clinical testing. Allele origin: germline.

PreventionGenetics, part of Exact Sciences
Classification: Likely benign for UGT1A1-related condition. Last evaluated: 2024-08-26. Review status: no assertion criteria provided. Collection method: clinical testing. Allele origin: germline. Not counted in ClinVar's aggregate classification.
Comment: This variant is classified as likely benign based on ACMG/AMP sequence variant interpretation guidelines (Richards et al. 2015 PMID: 25741868, with internal and published modifications).